The following is an entry in ClinVar:

NM_025099.6(CTC1):c.275A>G (p.Tyr92Cys)

Gene: CTC1 (CST telomere replication complex component 1; minus strand). Cytogenetic location: 17p13.1.
Variant type: single nucleotide variant.
Coding change: c.275A>G on transcript NM_025099.6 (MANE Select); coding-DNA position 275, A replaced by G.
Protein change: p.Tyr92Cys; replaces tyrosine 92 with cysteine.
Molecular consequence: missense variant. On other transcripts: non-coding transcript variant (1).
Genome position (GRCh38, 1-based): chr17:8,238,552, T>C on the plus strand (A>G on the coding strand, the complement: CTC1 is on the minus strand). VCF-style: chr17-8238552-T-C. GRCh37 (hg19) VCF-style: chr17-8141870-T-C.
Other names: short protein forms Y92C.
Identifiers: ClinVar variation 1026009 (VCV001026009.7), dbSNP rs753289258, ClinGen allele CA8372661.

ClinVar aggregate classification (germline): Uncertain significance. Review status: criteria provided, multiple submitters, no conflicts (2 of 4 stars). 2 submissions from 2 submitters: Uncertain significance (2). Last evaluated 2024-08-07.

Conditions:
Dyskeratosis congenita. Identifiers: Orphanet 1775, MedGen C0265965, MONDO:0015780.

Allele frequency attached by ClinVar (database versions not stated): gnomAD 0.00001; gnomAD exomes 0.00001; TOPMed 0.00001; ExAC 0.00002.
gnomAD v4.1: 23 of 1,614,002 alleles (0.0014%); highest among the groups gnomAD compares: Non-Finnish European, 0.0017%; no homozygotes.

Submissions (2):

Blueprint Genetics
Classification: Uncertain significance. Last evaluated: 2024-08-07. Review status: criteria provided, single submitter. Criteria: ACMG Guidelines, 2015. Collection method: clinical testing. Allele origin: germline.

Labcorp Genetics (formerly Invitae), Labcorp
Classification: Uncertain significance for Dyskeratosis congenita. Last evaluated: 2022-07-12. Review status: criteria provided, single submitter. Criteria: Invitae Variant Classification Sherloc (09022015). Collection method: clinical testing. Allele origin: germline.
Comment: This sequence change replaces tyrosine, which is neutral and polar, with cysteine, which is neutral and slightly polar, at codon 92 of the CTC1 protein (p.Tyr92Cys). This variant is present in population databases (rs753289258, gnomAD 0.003%). This variant has not been reported in the literature in individuals affected with CTC1-related conditions. ClinVar contains an entry for this variant (Variation ID: 1026009). Algorithms developed to predict the effect of missense changes on protein structure and function are either unavailable or do not agree on the potential impact of this missense change (SIFT: "Deleterious"; PolyPhen-2: "Benign"; Align-GVGD: "Class C0"). In summary, the available evidence is currently insufficient to determine the role of this variant in disease. Therefore, it has been classified as a Variant of Uncertain Significance.